The following is an entry in ClinVar:

NM_001042492.3(NF1):c.4835+1G>T

Gene: NF1 (neurofibromin 1; plus strand). Cytogenetic location: 17q11.2.
Variant type: single nucleotide variant.
Coding change: c.4835+1G>T on transcript NM_001042492.3 (MANE Select); the canonical splice donor site of the intron after coding-DNA position 4835, G replaced by T.
Molecular consequence: splice donor variant.
Genome position (GRCh38, 1-based): chr17:31,265,340, G>T. VCF-style: chr17-31265340-G-T. GRCh37 (hg19) VCF-style: chr17-29592358-G-T.
Other names: c.4772+1G>T (NM_000267.4).
Identifiers: ClinVar variation 426827 (VCV000426827.10), dbSNP rs1085307819, ClinGen allele CA399001394.

ClinVar aggregate classification (germline): Pathogenic/Likely pathogenic. Review status: criteria provided, multiple submitters, no conflicts (2 of 4 stars). 5 submissions from 5 submitters: Pathogenic (3); Likely pathogenic (2). Last evaluated 2025-02-25.

Conditions:
Juvenile myelomonocytic leukemia (JMML). Also called: LEUKEMIA, JUVENILE MYELOMONOCYTIC, SOMATIC. Identifiers: Orphanet 86834, MedGen C0349639, MONDO:0011908, OMIM 607785, HP:0012209.
NF1-related disorder. Also called: NF1-related condition. Identifiers: MedGen CN379171.
Neurofibromatosis, type 1 (NF1). Also called: Neurofibromatosis, type I; NEUROFIBROMATOSIS, TYPE I, SOMATIC; VON RECKLINGHAUSEN DISEASE; Peripheral type neurofibromatosis. Identifiers: Orphanet 636, MedGen C0027831, MONDO:0018975, OMIM 162200. Disease mechanism: loss of function.

Submissions (5):

Labcorp Genetics (formerly Invitae), Labcorp
Classification: Pathogenic for Neurofibromatosis, type 1. Last evaluated: 2025-02-25. Review status: criteria provided, single submitter. Criteria: Invitae Variant Classification Sherloc (09022015). Collection method: clinical testing. Allele origin: germline.
Comment: This sequence change affects a donor splice site in intron 35 of the NF1 gene. It is expected to disrupt RNA splicing. Variants that disrupt the donor or acceptor splice site typically lead to a loss of protein function (PMID: 16199547), and loss-of-function variants in NF1 are known to be pathogenic (PMID: 10712197, 23913538). This variant is not present in population databases (gnomAD no frequency). Disruption of this splice site has been observed in individual(s) with neurofibromatosis type 1 (PMID: 29588991; internal data). This variant is also known as c.4835+1G>T. ClinVar contains an entry for this variant (Variation ID: 426827). Algorithms developed to predict the effect of sequence changes on RNA splicing suggest that this variant may disrupt the consensus splice site. For these reasons, this variant has been classified as Pathogenic.

Blueprint Genetics
Classification: Pathogenic for NF1-related disorders. Last evaluated: 2023-09-03. Review status: criteria provided, single submitter. Criteria: ACMG Guidelines, 2015. Collection method: clinical testing. Allele origin: germline. Affected: yes. Observed: 1 variant allele.

Baylor Genetics
Classification: Pathogenic for Juvenile myelomonocytic leukemia. Last evaluated: 2023-05-08. Review status: criteria provided, single submitter. Criteria: ACMG Guidelines, 2015. Collection method: clinical testing. Allele origin: unknown.

Genome-Nilou Lab
Classification: Likely pathogenic for Neurofibromatosis, type 1. Last evaluated: 2022-03-15. Review status: criteria provided, single submitter. Criteria: ACMG Guidelines, 2015. Collection method: clinical testing. Allele origin: germline. Affected: no.

GeneDx
Classification: Likely pathogenic. Last evaluated: 2017-04-01. Review status: criteria provided, single submitter. Criteria: GeneDx Variant Classification (06012015). Collection method: clinical testing. Allele origin: germline. Affected: yes.
Comment: The c.4772+1 G>T variant has not been published as a pathogenic variant, nor has it been reported as a benign variant to our knowledge. It destroys the canonical splice donor site in intron 35 and leads to abnormal gene splicing; however, the adjacent exon 35 remains in frame. A portion of exon 35 (residues 1555 to 1591) lies within the CRAL-TRIO domain and lipid-binding region. The c.4772+1 G>T variant is not observed in large population cohorts (Lek et al., 2016; 1000 Genomes Consortium et al., 2015; Exome Variant Server). In the absence of RNA/functional studies, the actual effect of this sequence change is unknown. In summary, we consider this variant to be likely pathogenic.

Literature cited by the submitters: PubMed 16199547 (cited by Labcorp Genetics (formerly Invitae), Labcorp); PubMed 10712197 (cited by Labcorp Genetics (formerly Invitae), Labcorp); PubMed 23913538 (cited by Labcorp Genetics (formerly Invitae), Labcorp); PubMed 29588991 (cited by Labcorp Genetics (formerly Invitae), Labcorp).